The following is an entry in ClinVar:

ClinVar aggregate classification (germline): Benign. Review status: criteria provided, multiple submitters, no conflicts (2 of 4 stars). 4 submissions from 4 submitters: Benign (4). Last evaluated 2026-02-01.

Conditions:
Combined oxidative phosphorylation defect type 8. Also called: CARDIOMYOPATHY, HYPERTROPHIC MITOCHONDRIAL, FATAL INFANTILE. Identifiers: Orphanet 319504, MedGen C4518839, MONDO:0013570, OMIM 614096.

Allele frequency attached by ClinVar (database versions not stated): ESP Exome Variant Server 0.03160; TOPMed 0.03613; gnomAD 0.03853 and 0.04001; ExAC 0.04652; gnomAD exomes 0.04728 and 0.04859; 1000 Genomes Project 30x 0.05137; 1000 Genomes Project 0.05571.
gnomAD v4.1: 75,260 of 1,614,066 alleles (4.7%); highest among the groups gnomAD compares: East Asian, 20%; 2,624 homozygotes.

Submissions 1 to 30 of 42:

Labcorp Genetics (formerly Invitae), Labcorp
Classification: Benign. Last evaluated: 2026-02-01. Review status: criteria provided, single submitter. Criteria: Invitae Variant Classification Sherloc (09022015). Collection method: clinical testing. Allele origin: germline.

Blueprint Genetics
Classification: Benign. Last evaluated: 2024-11-26. Review status: criteria provided, single submitter. Criteria: ACMG Guidelines, 2015. Collection method: clinical testing. Allele origin: germline.

Illumina Laboratory Services, Illumina
Classification: Benign for Combined oxidative phosphorylation defect type 8. Last evaluated: 2018-01-12. Review status: criteria provided, single submitter. Criteria: ICSL Variant Classification Criteria 13 December 2019. Collection method: clinical testing. Allele origin: germline.
Comment: This variant was observed in the ICSL laboratory as part of a predisposition screen in an ostensibly healthy population. It had not been previously curated by ICSL or reported in the Human Gene Mutation Database (HGMD: prior to June 1st, 2018), and was therefore a candidate for classification through an automated scoring system. Utilizing variant allele frequency, disease prevalence and penetrance estimates, and inheritance mode, an automated score was calculated to assess if this variant is too frequent to cause the disease. Based on the score and internal cut-off values, a variant classified as benign is not then subjected to further curation. The score for this variant resulted in a classification of benign for this disease.

GeneDx
Classification: Benign. Last evaluated: 2015-03-03. Review status: criteria provided, single submitter. Criteria: GeneDx Variant Classification Process June 2021. Collection method: clinical testing. Allele origin: germline. Affected: yes.

Dr. Peter K. Rogan Lab, Western University
No classification provided (evidence only). Condition: Acute myeloid leukemia. Review status: no classification provided. Collection method: in vitro. Allele origin: not applicable. Functional consequence: retained intron. Not counted in ClinVar's aggregate classification.

Dr. Peter K. Rogan Lab, Western University
No classification provided (evidence only). Condition: Acute myeloid leukemia. Review status: no classification provided. Collection method: in vitro. Allele origin: not applicable. Functional consequence: retained intron. Not counted in ClinVar's aggregate classification.

Dr. Peter K. Rogan Lab, Western University
No classification provided (evidence only). Condition: Acute myeloid leukemia. Review status: no classification provided. Collection method: in vitro. Allele origin: not applicable. Functional consequence: retained intron. Not counted in ClinVar's aggregate classification.

Dr. Peter K. Rogan Lab, Western University
No classification provided (evidence only). Condition: Acute myeloid leukemia. Review status: no classification provided. Collection method: in vitro. Allele origin: not applicable. Functional consequence: retained intron. Not counted in ClinVar's aggregate classification.

Dr. Peter K. Rogan Lab, Western University
No classification provided (evidence only). Condition: Acute myeloid leukemia. Review status: no classification provided. Collection method: in vitro. Allele origin: not applicable. Functional consequence: retained intron. Not counted in ClinVar's aggregate classification.

Dr. Peter K. Rogan Lab, Western University
No classification provided (evidence only). Condition: Acute myeloid leukemia. Review status: no classification provided. Collection method: in vitro. Allele origin: not applicable. Functional consequence: retained intron. Not counted in ClinVar's aggregate classification.

Dr. Peter K. Rogan Lab, Western University
No classification provided (evidence only). Condition: Acute myeloid leukemia. Review status: no classification provided. Collection method: in vitro. Allele origin: not applicable. Functional consequence: retained intron. Not counted in ClinVar's aggregate classification.

Dr. Peter K. Rogan Lab, Western University
No classification provided (evidence only). Condition: Acute myeloid leukemia. Review status: no classification provided. Collection method: in vitro. Allele origin: not applicable. Functional consequence: retained intron. Not counted in ClinVar's aggregate classification.

Dr. Peter K. Rogan Lab, Western University
No classification provided (evidence only). Condition: Acute myeloid leukemia. Review status: no classification provided. Collection method: in vitro. Allele origin: not applicable. Functional consequence: retained intron. Not counted in ClinVar's aggregate classification.

Dr. Peter K. Rogan Lab, Western University
No classification provided (evidence only). Condition: Acute myeloid leukemia. Review status: no classification provided. Collection method: in vitro. Allele origin: not applicable. Functional consequence: retained intron. Not counted in ClinVar's aggregate classification.

Dr. Peter K. Rogan Lab, Western University
No classification provided (evidence only). Condition: Acute myeloid leukemia. Review status: no classification provided. Collection method: in vitro. Allele origin: not applicable. Functional consequence: retained intron. Not counted in ClinVar's aggregate classification.

Dr. Peter K. Rogan Lab, Western University
No classification provided (evidence only). Condition: Malignant lymphoma, large B-cell, diffuse. Review status: no classification provided. Collection method: in vitro. Allele origin: not applicable. Functional consequence: retained intron. Not counted in ClinVar's aggregate classification.

Dr. Peter K. Rogan Lab, Western University
No classification provided (evidence only). Condition: Thymoma. Review status: no classification provided. Collection method: in vitro. Allele origin: not applicable. Functional consequence: retained intron. Not counted in ClinVar's aggregate classification.

Dr. Peter K. Rogan Lab, Western University
No classification provided (evidence only). Condition: Thymoma. Review status: no classification provided. Collection method: in vitro. Allele origin: not applicable. Functional consequence: retained intron. Not counted in ClinVar's aggregate classification.

Dr. Peter K. Rogan Lab, Western University
No classification provided (evidence only). Condition: Uterine carcinosarcoma. Review status: no classification provided. Collection method: in vitro. Allele origin: not applicable. Functional consequence: retained intron. Not counted in ClinVar's aggregate classification.

Dr. Peter K. Rogan Lab, Western University
No classification provided (evidence only). Condition: Uterine carcinosarcoma. Review status: no classification provided. Collection method: in vitro. Allele origin: not applicable. Functional consequence: retained intron. Not counted in ClinVar's aggregate classification.

Dr. Peter K. Rogan Lab, Western University
No classification provided (evidence only). Condition: Uveal melanoma. Review status: no classification provided. Collection method: in vitro. Allele origin: not applicable. Functional consequence: retained intron. Not counted in ClinVar's aggregate classification.

Dr. Peter K. Rogan Lab, Western University
No classification provided (evidence only). Condition: Uveal melanoma. Review status: no classification provided. Collection method: in vitro. Allele origin: not applicable. Functional consequence: retained intron. Not counted in ClinVar's aggregate classification.

Dr. Peter K. Rogan Lab, Western University
No classification provided (evidence only). Condition: Uveal melanoma. Review status: no classification provided. Collection method: in vitro. Allele origin: not applicable. Functional consequence: retained intron. Not counted in ClinVar's aggregate classification.

Dr. Peter K. Rogan Lab, Western University
No classification provided (evidence only). Condition: Uveal melanoma. Review status: no classification provided. Collection method: in vitro. Allele origin: not applicable. Functional consequence: retained intron. Not counted in ClinVar's aggregate classification.

Dr. Peter K. Rogan Lab, Western University
No classification provided (evidence only). Condition: Chronic lymphocytic leukemia/small lymphocytic lymphoma. Review status: no classification provided. Collection method: in vitro. Allele origin: not applicable. Functional consequence: retained intron. Not counted in ClinVar's aggregate classification.

Dr. Peter K. Rogan Lab, Western University
No classification provided (evidence only). Condition: Chronic lymphocytic leukemia/small lymphocytic lymphoma. Review status: no classification provided. Collection method: in vitro. Allele origin: not applicable. Functional consequence: retained intron. Not counted in ClinVar's aggregate classification.

Dr. Peter K. Rogan Lab, Western University
No classification provided (evidence only). Condition: Chronic lymphocytic leukemia/small lymphocytic lymphoma. Review status: no classification provided. Collection method: in vitro. Allele origin: not applicable. Functional consequence: retained intron. Not counted in ClinVar's aggregate classification.

Dr. Peter K. Rogan Lab, Western University
No classification provided (evidence only). Condition: Chronic lymphocytic leukemia/small lymphocytic lymphoma. Review status: no classification provided. Collection method: in vitro. Allele origin: not applicable. Functional consequence: retained intron. Not counted in ClinVar's aggregate classification.

Dr. Peter K. Rogan Lab, Western University
No classification provided (evidence only). Condition: Chronic lymphocytic leukemia/small lymphocytic lymphoma. Review status: no classification provided. Collection method: in vitro. Allele origin: not applicable. Functional consequence: retained intron. Not counted in ClinVar's aggregate classification.

Dr. Peter K. Rogan Lab, Western University
No classification provided (evidence only). Condition: Nonpapillary renal cell carcinoma. Review status: no classification provided. Collection method: in vitro. Allele origin: not applicable. Functional consequence: retained intron. Not counted in ClinVar's aggregate classification.

NM_020745.4(AARS2):c.1753-14C>G

Gene: AARS2 (alanyl-tRNA synthetase 2, mitochondrial; minus strand). Cytogenetic location: 6p21.1.
Variant type: single nucleotide variant.
Coding change: c.1753-14C>G on transcript NM_020745.4 (MANE Select); 14 bases into the intron before coding-DNA position 1753, C replaced by G.
Molecular consequence: intron variant.
Genome position (GRCh38, 1-based): chr6:44,304,547, G>C on the plus strand (C>G on the coding strand, the complement: AARS2 is on the minus strand). VCF-style: chr6-44304547-G-C. GRCh37 (hg19) VCF-style: chr6-44272284-G-C.
Identifiers: ClinVar variation 357065 (VCV000357065.16), dbSNP rs74950428, ClinGen allele CA3834214.